The following is an entry in ClinVar:

ClinVar aggregate classification (germline): Uncertain significance (1 of 4 stars; one submission).

Conditions:
Hereditary cancer-predisposing syndrome. Also called: Neoplastic Syndromes, Hereditary; Tumor predisposition; Hereditary neoplastic syndrome; Hereditary Cancer Syndrome. Identifiers: Orphanet 140162, MedGen C0027672, MeSH D009386, MONDO:0015356.

Submission:

Ambry Genetics
Classification: Uncertain significance for Hereditary cancer-predisposing syndrome. Last evaluated: 2023-12-29. Review status: criteria provided, single submitter. Criteria: Ambry Variant Classification Scheme 2023. Collection method: clinical testing. Allele origin: germline.
Comment: The p.L11M variant (also known as c.31C>A), located in coding exon 1 of the GREM1 gene, results from a C to A substitution at nucleotide position 31. The leucine at codon 11 is replaced by methionine, an amino acid with highly similar properties. This amino acid position is conserved. In addition, this alteration is predicted to be tolerated by in silico analysis. Since supporting evidence is limited at this time, the clinical significance of this alteration remains unclear.

NM_013372.7(GREM1):c.31C>A (p.Leu11Met)

Gene: GREM1 (gremlin 1, DAN family BMP antagonist; plus strand). Cytogenetic location: 15q13.3.
Variant type: single nucleotide variant.
Coding change: c.31C>A on transcript NM_013372.7 (MANE Select); coding-DNA position 31, C replaced by A.
Protein change: p.Leu11Met; replaces leucine 11 with methionine.
Molecular consequence: missense variant. On other transcripts: intron variant (1).
Genome position (GRCh38, 1-based): chr15:32,730,721, C>A. VCF-style: chr15-32730721-C-A. GRCh37 (hg19) VCF-style: chr15-33022922-C-A.
Other names: c.31C>A, p.Leu11Met (NM_001191323.2, NM_001368719.1); c.27+4C>A (NM_001191322.2); short protein forms L11M.
Identifiers: ClinVar variation 3226262 (VCV003226262.1), dbSNP rs769511007, ClinGen allele CA391557040.